The following is an entry in ClinVar:

NM_004304.5(ALK):c.466G>A (p.Gly156Arg)

Gene: ALK (ALK receptor tyrosine kinase; minus strand). Cytogenetic location: 2p23.1.
Variant type: single nucleotide variant.
Coding change: c.466G>A on transcript NM_004304.5 (MANE Select); coding-DNA position 466, G replaced by A.
Protein change: p.Gly156Arg; replaces glycine 156 with arginine.
Molecular consequence: missense variant.
Genome position (GRCh38, 1-based): chr2:29,920,194, C>T on the plus strand (G>A on the coding strand, the complement: ALK is on the minus strand). VCF-style: chr2-29920194-C-T. GRCh37 (hg19) VCF-style: chr2-30143060-C-T.
Other names: short protein forms G156R.
Identifiers: ClinVar variation 470883 (VCV000470883.12), dbSNP rs761318889, ClinGen allele CA1594966.

ClinVar aggregate classification (germline): Uncertain significance. Review status: criteria provided, multiple submitters, no conflicts (2 of 4 stars). 3 submissions from 3 submitters: Uncertain significance (3). Last evaluated 2025-12-02.

Conditions:
Hereditary cancer-predisposing syndrome. Also called: Hereditary neoplastic syndrome; Neoplastic Syndromes, Hereditary; Tumor predisposition; Hereditary Cancer Syndrome. Identifiers: Orphanet 140162, MedGen C0027672, MeSH D009386, MONDO:0015356.
Neuroblastoma, susceptibility to, 3. Also called: ALK-Related Neuroblastic Tumor Susceptibility. Identifiers: Orphanet 635, MedGen C2751681, MONDO:0013083, OMIM 613014.

Allele frequency attached by ClinVar (database versions not stated): TOPMed below 0.00001.

Submissions (3):

Labcorp Genetics (formerly Invitae), Labcorp
Classification: Uncertain significance for Neuroblastoma, susceptibility to, 3. Last evaluated: 2025-12-02. Review status: criteria provided, single submitter. Criteria: Invitae Variant Classification Sherloc (09022015). Collection method: clinical testing. Allele origin: germline.
Comment: This sequence change replaces glycine, which is neutral and non-polar, with arginine, which is basic and polar, at codon 156 of the ALK protein (p.Gly156Arg). This variant is present in population databases (rs761318889, gnomAD 0.0009%). This variant has not been reported in the literature in individuals affected with ALK-related conditions. ClinVar contains an entry for this variant (Variation ID: 470883). An algorithm developed to predict the effect of missense changes on protein structure and function (PolyPhen-2) suggests that this variant is likely to be disruptive. In summary, the available evidence is currently insufficient to determine the role of this variant in disease. Therefore, it has been classified as a Variant of Uncertain Significance.

Ambry Genetics
Classification: Uncertain significance for Hereditary cancer-predisposing syndrome. Last evaluated: 2025-05-14. Review status: criteria provided, single submitter. Criteria: Ambry Variant Classification Scheme 2023. Collection method: clinical testing. Allele origin: germline.
Comment: The p.G156R variant (also known as c.466G>A), located in coding exon 1 of the ALK gene, results from a G to A substitution at nucleotide position 466. The glycine at codon 156 is replaced by arginine, an amino acid with dissimilar properties. This amino acid position is well conserved in available vertebrate species. In addition, this alteration is predicted to be deleterious by in silico analysis. Based on the available evidence, the clinical significance of this variant remains unclear.

Baylor Genetics
Classification: Uncertain significance for Neuroblastoma, susceptibility to, 3. Last evaluated: 2023-12-27. Review status: criteria provided, single submitter. Criteria: ACMG Guidelines, 2015. Collection method: clinical testing. Allele origin: unknown.